The following is an entry in ClinVar:

ClinVar aggregate classification (germline): Uncertain significance. Review status: criteria provided, multiple submitters, no conflicts (2 of 4 stars). 2 submissions from 2 submitters: Uncertain significance (2). Last evaluated 2026-03-02.

Conditions:
Neurodevelopmental disorder. Identifiers: MedGen C1535926, MeSH D065886, MONDO:0700092.

Submissions (2):

Broad Center for Mendelian Genomics, Broad Institute of MIT and Harvard
Classification: Uncertain significance for Neurodevelopmental disorder. Last evaluated: 2026-03-02. Review status: criteria provided, single submitter. Criteria: ACMG Guidelines, 2015. Collection method: research. Allele origin: germline. Inheritance: X-linked inheritance.
Comment: The p.Arg751Gln variant in SMARCA1 has not been previously reported in the literature in individuals with neurodevelopmental disorders, and was absent from large population studies. Computational prediction tools and conservation analyses suggest that this variant may impact the protein, though this information is not predictive enough to determine an impact. While variants in the SMARCA1 gene have been reported in individuals with neurodevelopmental disorders, this association has not been definitively established. In summary, given the limited information about this gene-disease relationship, the significance of the p.Arg751Gln variant is uncertain.

Developmental Brain Disorders Lab, Seattle Children's Hospital
Classification: Uncertain significance for Neurodevelopmental disorder. Last evaluated: 2025-05-01. Review status: criteria provided, single submitter. Criteria: ACMG Guidelines, 2015. Collection method: research. Allele origin: unknown. Affected: yes.
Comment: This is a missense variant that is absent in gnomAD v4.1.0. It is predicted to have a deleterious effect through computational prediction tools. It meets ACMG variant classification criteria (PM2, PP3) (PMID:25741868).

NM_001282874.2(SMARCA1):c.2252G>A (p.Arg751Gln)

Gene: SMARCA1 (SNF2 related chromatin remodeling ATPase 1; minus strand). Cytogenetic location: Xq25.
Variant type: single nucleotide variant.
Coding change: c.2252G>A on transcript NM_001282874.2 (MANE Select); coding-DNA position 2252, G replaced by A.
Protein change: p.Arg751Gln; replaces arginine 751 with glutamine.
Molecular consequence: missense variant.
Genome position (GRCh38, 1-based): chrX:129,481,151, C>T on the plus strand (G>A on the coding strand, the complement: SMARCA1 is on the minus strand). VCF-style: chrX-129481151-C-T. GRCh37 (hg19) VCF-style: chrX-128615128-C-T.
Other names: NM_001378264.1:c.2216G>A; c.2216G>A, p.Arg739Gln (NM_001282875.2, NM_001378262.1, NM_001378263.1 and 1 more transcripts); c.2252G>A, p.Arg751Gln (NM_001378261.1, NM_003069.5); short protein forms R739Q, R751Q.
Identifiers: ClinVar variation 3901130 (VCV003901130.2).
Genomic context (GRCh38, chrX:129,481,151, plus strand): 5'-TCGCTGACACGCAAAGCCTCTCTAAAGTAGGCATCCACTGCGTAGTTTGCTTTGCGTTCT[C>T]GTTTAGGAGGTTCAATCCATTCCACCATGCCAAGCTATACACAACAAACAACAACAAGGG-3'
Protein context (NP_001269803.1, residues 741-761): GMVEWIEPPK[Arg751Gln]ERKANYAVDA